The following is an entry in ClinVar:

ClinVar aggregate classification (germline): Uncertain significance (1 of 4 stars; one submission).

Allele frequency attached by ClinVar (database versions not stated): gnomAD 0.00002 and 0.00003; gnomAD exomes 0.00002 and 0.00008; TOPMed 0.00002; ExAC 0.00008.
gnomAD v4.1: 33 of 1,614,154 alleles (0.002%); highest among the groups gnomAD compares: Admixed American, 0.05%; no homozygotes.

Submission:

Labcorp Genetics (formerly Invitae), Labcorp
Classification: Uncertain significance. Last evaluated: 2021-11-03. Review status: criteria provided, single submitter. Criteria: Invitae Variant Classification Sherloc (09022015). Collection method: clinical testing. Allele origin: germline.
Comment: This sequence change replaces isoleucine, which is neutral and non-polar, with methionine, which is neutral and non-polar, at codon 94 of the ADD3 protein (p.Ile94Met). This variant is present in population databases (rs777179853, gnomAD 0.06%), and has an allele count higher than expected for a pathogenic variant. This variant has not been reported in the literature in individuals affected with ADD3-related conditions. Algorithms developed to predict the effect of missense changes on protein structure and function are either unavailable or do not agree on the potential impact of this missense change (SIFT: "Not Available"; PolyPhen-2: "Probably Damaging"; Align-GVGD: "Not Available"). In summary, the available evidence is currently insufficient to determine the role of this variant in disease. Therefore, it has been classified as a Variant of Uncertain Significance.

NM_016824.5(ADD3):c.282T>G (p.Ile94Met)

Gene: ADD3 (adducin 3; plus strand). Cytogenetic location: 10q25.2.
Variant type: single nucleotide variant.
Coding change: c.282T>G on transcript NM_016824.5 (MANE Select); coding-DNA position 282, T replaced by G.
Protein change: p.Ile94Met; replaces isoleucine 94 with methionine.
Molecular consequence: missense variant.
Genome position (GRCh38, 1-based): chr10:110,112,863, T>G. VCF-style: chr10-110112863-T-G. GRCh37 (hg19) VCF-style: chr10-111872621-T-G.
Other names: c.282T>G, p.Ile94Met (NM_001121.4, NM_001320591.2, NM_001320592.2 and 2 more transcripts); c.48T>G, p.Ile16Met (NM_001320594.2); short protein forms I16M, I94M.
Identifiers: ClinVar variation 1396661 (VCV001396661.3), dbSNP rs777179853, ClinGen allele CA5686298.